The following is an entry in ClinVar:

ClinVar aggregate classification (germline): Pathogenic (1 of 4 stars; one submission).

Conditions:
Generalized epilepsy with febrile seizures plus, type 9 (GEFSP9). Also called: GEFS+, TYPE 9. Identifiers: Orphanet 36387, MedGen C4015395, MONDO:0014517, OMIM 616172.

Submission:

Labcorp Genetics (formerly Invitae), Labcorp
Classification: Pathogenic for Generalized epilepsy with febrile seizures plus, type 9. Last evaluated: 2025-08-25. Review status: criteria provided, single submitter. Criteria: Invitae Variant Classification Sherloc (09022015). Collection method: clinical testing. Allele origin: germline.
Comment: This sequence change creates a premature translational stop signal (p.Tyr242*) in the STX1B gene. It is expected to result in an absent or disrupted protein product. Loss-of-function variants in STX1B are known to be pathogenic (PMID: 25362483). This variant is not present in population databases (gnomAD no frequency). This variant has not been reported in the literature in individuals affected with STX1B-related conditions. For these reasons, this variant has been classified as Pathogenic.

Literature cited by the submitters: PubMed 25362483.

NM_052874.5(STX1B):c.725dup (p.Tyr242Ter)

Gene: STX1B (syntaxin 1B; minus strand). Cytogenetic location: 16p11.2.
Variant type: Duplication.
Coding change: c.725dup on transcript NM_052874.5 (MANE Select); coding-DNA position 725, one base duplicated (A; older notation c.725dupA).
Protein change: p.Tyr242Ter; replaces tyrosine 242 with a stop codon.
Molecular consequence: nonsense.
Genome position (GRCh38, 1-based): chr16:30,993,191, T duplicated on the plus strand (A on the coding strand, the reverse complement: STX1B is on the minus strand). VCF-style (leftmost placement, unchanged base first): chr16-30993190-G-GT. GRCh37 (hg19) VCF-style: chr16-31004511-G-GT.
Other names: short protein forms Y242*.
Identifiers: ClinVar variation 4726056 (VCV004726056.1).